The following is an entry in ClinVar:

ClinVar aggregate classification (germline): Conflicting classifications of pathogenicity. Review status: criteria provided, conflicting classifications (1 of 4 stars). 2 submissions from 2 submitters: Likely pathogenic (1); Uncertain significance (1). Last evaluated 2026-02-23.

Conditions:
RYR1-related disorder. Also called: RYR1-related condition; RYR1-related disorders. Identifiers: MedGen CN239331.
Malignant hyperthermia, susceptibility to, 1 (MHS1). Also called: Malignant hyperthermia suceptibility 1; RYR1-Related Malignant Hyperthermia Susceptibility; Anesthesia related hyperthermia; Malignant hyperpyrexia; Fulminating hyperpyrexia; Pharmacogenic myopathy. Identifiers: Orphanet 423, MedGen C2930980, MONDO:0007783, OMIM 145600.

Submissions (2):

PreventionGenetics, part of Exact Sciences
Classification: Likely pathogenic for RYR1-related condition. Last evaluated: 2026-02-23. Review status: criteria provided, single submitter. Criteria: ACMG Guidelines, 2015. Collection method: clinical testing. Allele origin: germline.
Comment: The RYR1 c.15030delT variant is predicted to result in premature protein termination (p.Tyr5010*). This variant was reported in the heterozygous state in an adult individual with a neurological anomaly (Supplemental Material, Quaio et al. 2020. PubMed ID: 33258288). This variant has not been reported in gnomAD, indicating this variant is rare. This variant is interpreted as likely pathogenic for autosomal recessive congenital myopathy. However, this variant is interpreted as uncertain for autosomal dominant RYR1-related disorders.

All of Us Research Program, National Institutes of Health
Classification: Uncertain significance for Malignant hyperthermia, susceptibility to, 1. Last evaluated: 2024-07-29. Review status: criteria provided, single submitter. Criteria: ACMG Guidelines, 2015. Collection method: clinical testing. Allele origin: germline. Inheritance: Autosomal dominant inheritance. Observed: 1 variant allele, 1 heterozygote.
Comment: This variant deletes 1 nucleotide in exon 106 of the RYR1 gene, creating a premature translation stop signal. This variant is predicted to escape nonsense-mediated decay and be expressed as a truncated protein. To our knowledge, functional studies have not been reported for this variant. To our knowledge, this variant has not been reported in individuals affected with RYR1-related disorders in the literature. This variant has not been identified in the general population by the Genome Aggregation Database (gnomAD). Loss of RYR1 function due to truncating variants is not an established disease mechanism for autosomal dominant malignant hyperthermia, although it is associated with other phenotype(s). Therefore, this variant is classified as a Variant of Uncertain Significance for autosomal dominant malignant hyperthermia.

This study involves interpretation of variants in research participants for the purpose of population health screening. Participant phenotype was not available at the time of variant classification. Additional details can be found in publication PMID: 35346344, PMCID: PMC8962531

NM_000540.3(RYR1):c.15030del (p.Ser5009_Tyr5010insTer)

Gene: RYR1 (ryanodine receptor 1; plus strand). Cytogenetic location: 19q13.2.
Variant type: Deletion.
Coding change: c.15030del on transcript NM_000540.3 (MANE Select); coding-DNA position 15030, one base deleted (T; older notation c.15030delT).
Protein change: p.Ser5009_Tyr5010insTer.
Molecular consequence: nonsense.
Genome position (GRCh38, 1-based): chr19:38,587,333, T deleted. VCF-style (leftmost placement, unchanged base first): chr19-38587332-AT-A. GRCh37 (hg19) VCF-style: chr19-39077972-AT-A.
Other names: c.15015del, p.Ser5004_Tyr5005insTer (NM_001042723.2).
Identifiers: ClinVar variation 3051707 (VCV003051707.4), dbSNP rs2514786561, ClinGen allele CA2740096909.